The following is an entry in ClinVar:

ClinVar aggregate classification (germline): Uncertain significance (1 of 4 stars; one submission).

Submission:

Labcorp Genetics (formerly Invitae), Labcorp
Classification: Uncertain significance. Last evaluated: 2018-08-23. Review status: criteria provided, single submitter. Criteria: Invitae Variant Classification Sherloc (09022015). Collection method: clinical testing. Allele origin: germline.
Comment: This sequence change affects a donor splice site in intron 1 of the KPNA7 gene. It is expected to disrupt RNA splicing and likely results in an absent or disrupted protein product. This variant is not present in population databases (ExAC no frequency). This variant has not been reported in the literature in individuals with KPNA7-related disease. Algorithms developed to predict the effect of sequence changes on RNA splicing suggest that this variant may disrupt the consensus splice site, but this prediction has not been confirmed by published transcriptional studies. The current clinical and genetic evidence is not sufficient to establish whether loss-of-function variants in KPNA7 cause disease. In summary, the available evidence is currently insufficient to determine the role of this variant in disease. Therefore, it has been classified as a Variant of Uncertain Significance.

NM_001145715.3(KPNA7):c.66+2_66+3del

Gene: KPNA7 (karyopherin subunit alpha 7; minus strand). Cytogenetic location: 7q22.1.
Variant type: Microsatellite.
Coding change: c.66+2_66+3del on transcript NM_001145715.3 (MANE Select); the canonical splice donor site of the intron after coding-DNA position 66 through 3 bases into the intron after coding-DNA position 66, 2 bases deleted (TG; older notation c.66+2_66+3delTG).
Molecular consequence: splice donor variant.
Genome position (GRCh38, 1-based): chr7:99,207,398-99,207,399, CA deleted on the plus strand (TG on the coding strand, the reverse complement: KPNA7 is on the minus strand); deleting any 2 consecutive bases within chr7:99,207,398-99,207,401 gives the same sequence; the c. name uses the placement nearest the transcript's 3' end. VCF-style (leftmost placement, unchanged base first): chr7-99207397-TCA-T. GRCh37 (hg19) VCF-style: chr7-98805020-TCA-T.
Other names: c.66+2_66+3delTG (NM_001145715.1).
Identifiers: ClinVar variation 660482 (VCV000660482.7), dbSNP rs1584318844, ClinGen allele CA915945377.
Genomic context (GRCh38, chr7:99,207,397, plus strand): 5'-CACCCCGCTTTTTATGCAGATTGCACTGGTCCCCAATAGAAGCAGGTGGGTGCTTCATAC[TCA>T]CAGACACATCTTTGCCTCGGTACTTAAATTTTCTCCGCCTCTCTTCTGGAGCATCTAAGG-3'